The following is an entry in ClinVar:

NM_002755.4(MAP2K1):c.919C>T (p.Pro307Ser)

Gene: MAP2K1 (mitogen-activated protein kinase kinase 1; plus strand). Cytogenetic location: 15q22.31.
Variant type: single nucleotide variant.
Coding change: c.919C>T on transcript NM_002755.4 (MANE Select); coding-DNA position 919, C replaced by T.
Protein change: p.Pro307Ser; replaces proline 307 with serine.
Molecular consequence: missense variant.
Genome position (GRCh38, 1-based): chr15:66,487,251, C>T. VCF-style: chr15-66487251-C-T. GRCh37 (hg19) VCF-style: chr15-66779589-C-T.
Other names: c.775C>T, p.Pro259Ser (NM_001411065.1); short protein forms P307S, P259S.
Identifiers: ClinVar variation 3654679 (VCV003654679.2).

ClinVar aggregate classification (germline): Uncertain significance (1 of 4 stars; one submission).

Conditions:
RASopathy. Also called: Noonan spectrum disorder; rasopathies. Identifiers: Orphanet 536391, MedGen C5555857, MONDO:0021060.

Submission:

Labcorp Genetics (formerly Invitae), Labcorp
Classification: Uncertain significance for RASopathy. Last evaluated: 2025-11-12. Review status: criteria provided, single submitter. Criteria: Invitae Variant Classification Sherloc (09022015). Collection method: clinical testing. Allele origin: germline.
Comment: This sequence change replaces proline, which is neutral and non-polar, with serine, which is neutral and polar, at codon 307 of the MAP2K1 protein (p.Pro307Ser). This variant is not present in population databases (gnomAD no frequency). This variant has not been reported in the literature in individuals affected with MAP2K1-related conditions. ClinVar contains an entry for this variant (Variation ID: 3654679). Invitae Evidence Modeling of protein sequence and biophysical properties (such as structural, functional, and spatial information, amino acid conservation, physicochemical variation, residue mobility, and thermodynamic stability) has been performed for this missense variant. However, the output from this modeling did not meet the statistical confidence thresholds required to predict the impact of this variant on MAP2K1 protein function. In summary, the available evidence is currently insufficient to determine the role of this variant in disease. Therefore, it has been classified as a Variant of Uncertain Significance.